The following is an entry in ClinVar:

NM_002292.4(LAMB2):c.2398G>A (p.Gly800Ser)

Gene: LAMB2 (laminin subunit beta 2; minus strand). Cytogenetic location: 3p21.31.
Variant type: single nucleotide variant.
Coding change: c.2398G>A on transcript NM_002292.4 (MANE Select); coding-DNA position 2398, G replaced by A.
Protein change: p.Gly800Ser; replaces glycine 800 with serine.
Molecular consequence: missense variant.
Genome position (GRCh38, 1-based): chr3:49,125,837, C>T on the plus strand (G>A on the coding strand, the complement: LAMB2 is on the minus strand). VCF-style: chr3-49125837-C-T. GRCh37 (hg19) VCF-style: chr3-49163270-C-T.
Other names: short protein forms G800S.
Identifiers: ClinVar variation 1953372 (VCV001953372.5), dbSNP rs2045407975, ClinGen allele CA352724514.

ClinVar aggregate classification (germline): Uncertain significance (1 of 4 stars; one submission).

Conditions:
LAMB2-related infantile-onset nephrotic syndrome. Also called: Nephrotic Syndrome, type 5; NEPHROTIC SYNDROME, TYPE 5, WITHOUT OCULAR ABNORMALITIES; NEPHROTIC SYNDROME, TYPE 5, WITH OCULAR ABNORMALITIES. Identifiers: Orphanet 306507, MedGen C3280113, MONDO:0013621, OMIM 614199.
Pierson syndrome. Also called: MICROCORIA-CONGENITAL NEPHROTIC SYNDROME. Identifiers: Orphanet 2670, MedGen C1836876, MONDO:0012184, OMIM 609049.

Allele frequency attached by ClinVar (database versions not stated): TOPMed below 0.00001.

Submission:

Labcorp Genetics (formerly Invitae), Labcorp
Classification: Uncertain significance for LAMB2-related infantile-onset nephrotic syndrome; Pierson syndrome. Last evaluated: 2022-08-10. Review status: criteria provided, single submitter. Criteria: Invitae Variant Classification Sherloc (09022015). Collection method: clinical testing. Allele origin: germline.
Comment: This variant has not been reported in the literature in individuals affected with LAMB2-related conditions. This variant is not present in population databases (gnomAD no frequency). This sequence change replaces glycine, which is neutral and non-polar, with serine, which is neutral and polar, at codon 800 of the LAMB2 protein (p.Gly800Ser). Algorithms developed to predict the effect of missense changes on protein structure and function (SIFT, PolyPhen-2, Align-GVGD) all suggest that this variant is likely to be disruptive. In summary, the available evidence is currently insufficient to determine the role of this variant in disease. Therefore, it has been classified as a Variant of Uncertain Significance.